The following is an entry in ClinVar:

NM_000117.3(EMD):c.136C>T (p.Arg46Trp)

Gene: EMD (emerin; plus strand). Cytogenetic location: Xq28.
Variant type: single nucleotide variant.
Coding change: c.136C>T on transcript NM_000117.3 (MANE Select); coding-DNA position 136, C replaced by T.
Protein change: p.Arg46Trp; replaces arginine 46 with tryptophan.
Molecular consequence: missense variant.
Genome position (GRCh38, 1-based): chrX:154,379,743, C>T. VCF-style: chrX-154379743-C-T. GRCh37 (hg19) VCF-style: chrX-153608103-C-T.
Other names: short protein forms R46W.
Identifiers: ClinVar variation 864177 (VCV000864177.6), dbSNP rs2067875291, ClinGen allele CA415257468.

ClinVar aggregate classification (germline): Uncertain significance (1 of 4 stars; one submission).

Conditions:
X-linked Emery-Dreifuss muscular dystrophy. Also called: Muscular dystrophy, tardive Emery-Dreifuss type, with contractures. Identifiers: Orphanet 261, Orphanet 98863, MedGen C0751337, MONDO:0010680.

Submission:

Labcorp Genetics (formerly Invitae), Labcorp
Classification: Uncertain significance for X-linked Emery-Dreifuss muscular dystrophy. Last evaluated: 2021-08-31. Review status: criteria provided, single submitter. Criteria: Invitae Variant Classification Sherloc (09022015). Collection method: clinical testing. Allele origin: germline.
Comment: This sequence change replaces arginine with tryptophan at codon 46 of the EMD protein (p.Arg46Trp). The arginine residue is moderately conserved and there is a moderate physicochemical difference between arginine and tryptophan. This variant is not present in population databases (ExAC no frequency). This variant has not been reported in the literature in individuals affected with EMD-related conditions. Algorithms developed to predict the effect of missense changes on protein structure and function are either unavailable or do not agree on the potential impact of this missense change (SIFT: "Deleterious"; PolyPhen-2: "Probably Damaging"; Align-GVGD: "Class C0"). Algorithms developed to predict the effect of sequence changes on RNA splicing suggest that this variant may create or strengthen a splice site. In summary, the available evidence is currently insufficient to determine the role of this variant in disease. Therefore, it has been classified as a Variant of Uncertain Significance.